The following is an entry in ClinVar:

NM_001278716.2(FBXL4):c.773G>T (p.Gly258Val)

Gene: FBXL4 (F-box and leucine rich repeat protein 4; minus strand). Cytogenetic location: 6q16.2.
Variant type: single nucleotide variant.
Coding change: c.773G>T on transcript NM_001278716.2 (MANE Select); coding-DNA position 773, G replaced by T.
Protein change: p.Gly258Val; replaces glycine 258 with valine.
Molecular consequence: missense variant.
Genome position (GRCh38, 1-based): chr6:98,917,459, C>A on the plus strand (G>T on the coding strand, the complement: FBXL4 is on the minus strand). VCF-style: chr6-98917459-C-A. GRCh37 (hg19) VCF-style: chr6-99365335-C-A.
Other names: c.773G>T, p.Gly258Val (NM_012160.5); short protein forms G258V.
Identifiers: ClinVar variation 437634 (VCV000437634.1), dbSNP rs761384727, ClinGen allele CA3933618.

ClinVar aggregate classification (germline): Uncertain significance (1 of 4 stars; one submission).

Conditions:
Mitochondrial DNA depletion syndrome 13. Also called: FBXL4-Related Encephalomyopathic Mitochondrial DNA Depletion Syndrome; Mitochondrial DNA depletion syndrome 13 (encephalomyopathic type). Identifiers: Orphanet 369897, MedGen C3809592, MONDO:0014198, OMIM 615471.

Allele frequency attached by ClinVar (database versions not stated): gnomAD exomes below 0.00001 and 0.00001; ExAC 0.00001.
gnomAD v4.1: 3 of 1,614,082 alleles (0.00019%); highest among the groups gnomAD compares: Non-Finnish European, 0.00025%; no homozygotes.

Submission:

Wong Mito Lab, Molecular and Human Genetics, Baylor College of Medicine
Classification: Uncertain significance for Mitochondrial DNA depletion syndrome 13. Last evaluated: 2017-08-10. Review status: criteria provided, single submitter. Criteria: ACMG Guidelines, 2015. Collection method: reference population. Allele origin: germline.
Comment: The NM_012160.4:c.773G>T (NP_036292.2:p.Gly258Val) [GRCH38: NC_000006.12:g.98917459C>A] variant in FBXL4 gene is interpretated to be a Uncertain Significance - Conflicting Evidence based on ACMG guidelines (PMID: 25741868). This variant meets one or more of the following evidence codes reported in the ACMG-guideline. PM2:This variant is absent in key population databases. BP4:Computational evidence/predictors indicate no impact on the FBXL4 structure, function, or protein-protein interaction. Based on this evidence code ClinGen Pathogenicity Calculator (PMID:28081714) suggested that the variant is Uncertain Significance - Conflicting Evidence.